The following is an entry in ClinVar:

ClinVar aggregate classification (germline): Benign/Likely benign. Review status: criteria provided, multiple submitters, no conflicts (2 of 4 stars). 9 submissions from 6 submitters: Benign (6); Likely benign (3). Last evaluated 2026-02-03.

Conditions:
Autosomal recessive limb-girdle muscular dystrophy type 2J (LGMDR10). Also called: Limb-girdle muscular dystrophy, type 2J; MUSCULAR DYSTROPHY, LIMB-GIRDLE, AUTOSOMAL RECESSIVE 10. Identifiers: Orphanet 140922, MedGen C1837342, MONDO:0012127, OMIM 608807.
Dilated cardiomyopathy 1G (CMD1G). Identifiers: Orphanet 154, MedGen C1858763, MONDO:0011400, OMIM 604145.
Early-onset myopathy with fatal cardiomyopathy (CMYO5). Also called: Salih Myopathy; CONGENITAL MYOPATHY 5 WITH CARDIOMYOPATHY. Identifiers: Orphanet 289377, MedGen C2673677, MONDO:0012714, OMIM 611705. Disease mechanism: loss of function.
Myopathy, myofibrillar, 9, with early respiratory failure (MFM9). Also called: Hereditary myopathy with early respiratory failure; Myopathy, distal, with early respiratory failure, autosomal dominant; EDSTROM MYOPATHY; MYOPATHY, PROXIMAL, WITH EARLY RESPIRATORY MUSCLE INVOLVEMENT. Identifiers: Orphanet 178464, Orphanet 34521, MedGen C1863599, MONDO:0011362, OMIM 603689.
Tibial muscular dystrophy (TMD). Also called: UDD MYOPATHY; Udd Distal Myopathy – Tibial Muscular Dystrophy; Tibial muscular dystrophy, tardive. Identifiers: Orphanet 609, MedGen C1838244, MONDO:0010870, OMIM 600334.

Allele frequency attached by ClinVar (database versions not stated): gnomAD exomes 0.00003 and 0.00011; ExAC 0.00013; 1000 Genomes Project 30x 0.00031; TOPMed 0.00037; gnomAD 0.00040 and 0.00043; ESP Exome Variant Server 0.00059.
gnomAD v4.1: 106 of 1,603,416 alleles (0.0066%); highest among the groups gnomAD compares: African/African-American, 0.14%; no homozygotes.

Submissions (9):

Labcorp Genetics (formerly Invitae), Labcorp
Classification: Likely benign for Dilated cardiomyopathy 1G; Autosomal recessive limb-girdle muscular dystrophy type 2J. Last evaluated: 2026-02-03. Review status: criteria provided, single submitter. Criteria: Invitae Variant Classification Sherloc (09022015). Collection method: clinical testing. Allele origin: germline.

Blueprint Genetics
Classification: Likely benign. Last evaluated: 2023-11-10. Review status: criteria provided, single submitter. Criteria: ACMG Guidelines, 2015. Collection method: clinical testing. Allele origin: germline.

Women's Health and Genetics/Laboratory Corporation of America, LabCorp
Classification: Benign. Last evaluated: 2022-02-07. Review status: criteria provided, single submitter. Criteria: LabCorp Variant Classification Summary - May 2015. Collection method: clinical testing. Allele origin: germline.
Comment: Variant summary: TTN c.30953-17A>G alters a non-conserved nucleotide located close to a canonical splice site and therefore could affect mRNA splicing, leading to a significantly altered protein sequence. 4/4 computational tools predict no significant impact on normal splicing. However, these predictions have yet to be confirmed by functional studies. The variant allele was found at a frequency of 0.00011 in 241732 control chromosomes, predominantly at a frequency of 0.0017 within the African or African-American subpopulation in the gnomAD database. The observed variant frequency within African or African-American control individuals in the gnomAD database is approximately 4 fold of the estimated maximal expected allele frequency for a pathogenic variant in TTN causing Dilated Cardiomyopathy phenotype (0.00039), strongly suggesting that the variant is a benign polymorphism found primarily in populations of African or African-American origin. To our knowledge, no occurrence of c.30953-17A>G in individuals affected with Dilated Cardiomyopathy/Limb Girdle Muscular Dystrophy/TTN-related disorders and no experimental evidence demonstrating its impact on protein function have been reported. Two clinical diagnostic laboratories have submitted clinical-significance assessments for this variant to ClinVar after 2014 without evidence for independent evaluation. All laboratories classified the variant as benign/likely benign. Based on the evidence outlined above, the variant was classified as benign.

Genome-Nilou Lab
Classification: Benign for Autosomal recessive limb-girdle muscular dystrophy type 2J. Last evaluated: 2021-09-10. Review status: criteria provided, single submitter. Criteria: ACMG Guidelines, 2015. Collection method: clinical testing. Allele origin: germline. Affected: no.

Genome-Nilou Lab
Classification: Benign for Myopathy, myofibrillar, 9, with early respiratory failure. Last evaluated: 2021-09-10. Review status: criteria provided, single submitter. Criteria: ACMG Guidelines, 2015. Collection method: clinical testing. Allele origin: germline. Affected: no.

Genome-Nilou Lab
Classification: Benign for Early-onset myopathy with fatal cardiomyopathy. Last evaluated: 2021-09-10. Review status: criteria provided, single submitter. Criteria: ACMG Guidelines, 2015. Collection method: clinical testing. Allele origin: germline. Affected: no.

Genome-Nilou Lab
Classification: Benign for Tibial muscular dystrophy. Last evaluated: 2021-09-10. Review status: criteria provided, single submitter. Criteria: ACMG Guidelines, 2015. Collection method: clinical testing. Allele origin: germline. Affected: no.

ARUP Laboratories, Molecular Genetics and Genomics, ARUP Laboratories
Classification: Likely benign. Last evaluated: 2020-01-16. Review status: criteria provided, single submitter. Criteria: ARUP Molecular Germline Variant Investigation Process. Collection method: clinical testing. Allele origin: germline.

GeneDx
Classification: Benign. Last evaluated: 2017-04-11. Review status: criteria provided, single submitter. Criteria: GeneDx Variant Classification (06012015). Collection method: clinical testing. Allele origin: germline. Affected: yes.
Comment: This variant is considered likely benign or benign based on one or more of the following criteria: it is a conservative change, it occurs at a poorly conserved position in the protein, it is predicted to be benign by multiple in silico algorithms, and/or has population frequency not consistent with disease.

NM_001267550.2(TTN):c.34856-17A>G

Gene: TTN (titin; minus strand). Cytogenetic location: 2q31.2.
Variant type: single nucleotide variant.
Coding change: c.34856-17A>G on transcript NM_001267550.2 (MANE Select); 17 bases into the intron before coding-DNA position 34856, A replaced by G.
Molecular consequence: intron variant.
Genome position (GRCh38, 1-based): chr2:178,672,498, T>C on the plus strand (A>G on the coding strand, the complement: TTN is on the minus strand). VCF-style: chr2-178672498-T-C. GRCh37 (hg19) VCF-style: chr2-179537225-T-C.
Other names: c.33734-17A>G (NM_001256850.1); c.13283-30181A>G (NM_003319.4); c.13859-30181A>G (NM_133437.4); c.13658-30181A>G (NM_133432.3); c.30953-17A>G (NM_133378.4).
Identifiers: ClinVar variation 516815 (VCV000516815.21), dbSNP rs188686309, ClinGen allele CA1997945.